The following is an entry in ClinVar:

ClinVar aggregate classification (germline): Uncertain significance (1 of 4 stars; one submission).

Conditions:
Early-infantile DEE. Also called: Early infantile epileptic encephalopathy with suppression bursts; Ohtahara syndrome; Early infantile epileptic encephalopathy. Identifiers: Orphanet 1934, MedGen C0393706, MONDO:0800491.

Allele frequency attached by ClinVar (database versions not stated): TOPMed below 0.00001; ExAC 0.00001; gnomAD 0.00001; gnomAD exomes 0.00001.
gnomAD v4.1: 6 of 1,614,156 alleles (0.00037%); highest among the groups gnomAD compares: Non-Finnish European, 0.00042%; no homozygotes.

Submission:

Labcorp Genetics (formerly Invitae), Labcorp
Classification: Uncertain significance for Early-infantile DEE. Last evaluated: 2024-12-15. Review status: criteria provided, single submitter. Criteria: Invitae Variant Classification Sherloc (09022015). Collection method: clinical testing. Allele origin: germline.
Comment: This sequence change replaces glutamine, which is neutral and polar, with glutamic acid, which is acidic and polar, at codon 138 of the GNAO1 protein (p.Gln138Glu). This variant is present in population databases (rs759081912, gnomAD 0.003%). This variant has not been reported in the literature in individuals affected with GNAO1-related conditions. This missense change has been observed in at least one individual who was not affected with GNAO1-related conditions (internal data). ClinVar contains an entry for this variant (Variation ID: 409945). Invitae Evidence Modeling of protein sequence and biophysical properties (such as structural, functional, and spatial information, amino acid conservation, physicochemical variation, residue mobility, and thermodynamic stability) has been performed for this missense variant. However, the output from this modeling did not meet the statistical confidence thresholds required to predict the impact of this variant on GNAO1 protein function. In summary, the available evidence is currently insufficient to determine the role of this variant in disease. Therefore, it has been classified as a Variant of Uncertain Significance.

NM_020988.3(GNAO1):c.412C>G (p.Gln138Glu)

Gene: GNAO1 (G protein subunit alpha o1; plus strand). Cytogenetic location: 16q13.
Variant type: single nucleotide variant.
Coding change: c.412C>G on transcript NM_020988.3 (MANE Select); coding-DNA position 412, C replaced by G.
Protein change: p.Gln138Glu; replaces glutamine 138 with glutamic acid.
Molecular consequence: missense variant.
Genome position (GRCh38, 1-based): chr16:56,328,739, C>G. VCF-style: chr16-56328739-C-G. GRCh37 (hg19) VCF-style: chr16-56362651-C-G.
Other names: c.412C>G, p.Gln138Glu (NM_138736.3); short protein forms Q138E.
Identifiers: ClinVar variation 409945 (VCV000409945.9), dbSNP rs759081912, ClinGen allele CA8063750.